The following is an entry in ClinVar:

ClinVar aggregate classification (germline): Pathogenic (1 of 4 stars; one submission).

Conditions:
Intellectual developmental disorder, autosomal dominant 73 (MRD73). Also called: TAF4-RELATED NDD; TAF4-RELATED NEURODEVELOPMENTAL DISORDER. Identifiers: MedGen C5830636, MONDO:0957536, OMIM 620450.

Submission:

Victorian Clinical Genetics Services, Murdoch Childrens Research Institute
Classification: Pathogenic for Intellectual developmental disorder, autosomal dominant 73. Last evaluated: 2025-12-01. Review status: criteria provided, single submitter. Criteria: ACMG Guidelines, 2015. Collection method: clinical testing. Allele origin: germline. Affected: yes.
Comment: This variant is classified as Pathogenic. Evidence in support of pathogenic classification: Variant is predicted to cause nonsense-mediated decay (NMD) and loss of protein (premature termination codon is located at least 54 nucleotides upstream of the final exon-exon junction); Variant is absent from gnomAD (v2, v3 and v4); Other NMD-predicted variant(s) comparable to the one identified in this case have very strong previous evidence for pathogenicity (DECIPHER). Additional information: This variant is heterozygous; This gene is associated with autosomal dominant disease; Loss of function is a known mechanism of disease in this gene and is associated with autosomal dominant intellectual developmental disorder 73 (MIM#620450); Inheritance information for this variant is not currently available in this individual.

NM_003185.4(TAF4):c.2425dup (p.Ser809fs)

Gene: TAF4 (TATA-box binding protein associated factor 4; minus strand). Cytogenetic location: 20q13.33.
Variant type: Duplication.
Coding change: c.2425dup on transcript NM_003185.4 (MANE Select); coding-DNA position 2425, one base duplicated (T; older notation c.2425dupT).
Protein change: p.Ser809fs; shifts the reading frame from serine 809.
Molecular consequence: frameshift variant.
Genome position (GRCh38, 1-based): chr20:62,003,221, A duplicated on the plus strand (T on the coding strand, the reverse complement: TAF4 is on the minus strand). VCF-style (leftmost placement, unchanged base first): chr20-62003220-G-GA. GRCh37 (hg19) VCF-style: chr20-60578276-G-GA.
Other names: short protein forms S809fs.
Identifiers: ClinVar variation 4818966 (VCV004818966.1).